The following is an entry in ClinVar:

NM_022051.3(EGLN1):c.811C>G (p.Leu271Val)

Genes: EGLN1 (egl-9 family hypoxia inducible factor 1; minus strand), LOC129932769 (ATAC-STARR-seq lymphoblastoid active region 2730; plus strand). Cytogenetic location: 1q42.2.
Variant type: single nucleotide variant.
Coding change: c.811C>G on transcript NM_022051.3 (MANE Select); coding-DNA position 811, C replaced by G.
Protein change: p.Leu271Val; replaces leucine 271 with valine.
Molecular consequence: missense variant.
Genome position (GRCh38, 1-based): chr1:231,421,078, G>C on the plus strand (C>G on the coding strand, the complement: EGLN1 is on the minus strand). VCF-style: chr1-231421078-G-C. GRCh37 (hg19) VCF-style: chr1-231556824-G-C.
Other names: c.811C>G, p.Leu271Val (NM_001377260.1, NM_001377261.1); short protein forms L271V.
Identifiers: ClinVar variation 1762072 (VCV001762072.3), dbSNP rs768643446, ClinGen allele CA345235098.

ClinVar aggregate classification (germline): Uncertain significance (1 of 4 stars; one submission).

Submission:

Ambry Genetics
Classification: Uncertain significance. Last evaluated: 2025-08-02. Review status: criteria provided, single submitter. Criteria: Ambry Variant Classification Scheme 2023. Collection method: clinical testing. Allele origin: germline.
Comment: The p.L271V variant (also known as c.811C>G), located in coding exon 1 of the EGLN1 gene, results from a C to G substitution at nucleotide position 811. The leucine at codon 271 is replaced by valine, an amino acid with highly similar properties. This amino acid position is conserved. In addition, this alteration is predicted to be tolerated by in silico analysis. Since supporting evidence is limited at this time, the clinical significance of this alteration remains unclear.